The following is an entry in ClinVar:

NM_002444.3(MSN):c.1619C>T (p.Ala540Val)

Gene: MSN (moesin; plus strand). Cytogenetic location: Xq12.
Variant type: single nucleotide variant.
Coding change: c.1619C>T on transcript NM_002444.3 (MANE Select); coding-DNA position 1619, C replaced by T.
Protein change: p.Ala540Val; replaces alanine 540 with valine.
Molecular consequence: missense variant.
Genome position (GRCh38, 1-based): chrX:65,739,778, C>T. VCF-style: chrX-65739778-C-T. GRCh37 (hg19) VCF-style: chrX-64959640-C-T.
Other names: short protein forms A540V.
Identifiers: ClinVar variation 2008413 (VCV002008413.4), dbSNP rs2071717141, ClinGen allele CA413414688.

ClinVar aggregate classification (germline): Uncertain significance (1 of 4 stars; one submission).

Allele frequency attached by ClinVar (database versions not stated): TOPMed below 0.00001.

Submission:

Labcorp Genetics (formerly Invitae), Labcorp
Classification: Uncertain significance. Last evaluated: 2022-06-19. Review status: criteria provided, single submitter. Criteria: Invitae Variant Classification Sherloc (09022015). Collection method: clinical testing. Allele origin: germline.
Comment: This variant has not been reported in the literature in individuals affected with MSN-related conditions. This sequence change replaces alanine, which is neutral and non-polar, with valine, which is neutral and non-polar, at codon 540 of the MSN protein (p.Ala540Val). This variant is not present in population databases (gnomAD no frequency). Algorithms developed to predict the effect of missense changes on protein structure and function (SIFT, PolyPhen-2, Align-GVGD) all suggest that this variant is likely to be tolerated. In summary, the available evidence is currently insufficient to determine the role of this variant in disease. Therefore, it has been classified as a Variant of Uncertain Significance.